The following is an entry in ClinVar:

NM_000019.4(ACAT1):c.365T>G (p.Ile122Arg)

Gene: ACAT1 (acetyl-CoA acetyltransferase 1; plus strand). Cytogenetic location: 11q22.3.
Variant type: single nucleotide variant.
Coding change: c.365T>G on transcript NM_000019.4 (MANE Select); coding-DNA position 365, T replaced by G.
Protein change: p.Ile122Arg; replaces isoleucine 122 with arginine.
Molecular consequence: missense variant. On other transcripts: non-coding transcript variant (1), intron variant (1).
Genome position (GRCh38, 1-based): chr11:108,135,172, T>G. VCF-style: chr11-108135172-T-G. GRCh37 (hg19) VCF-style: chr11-108005899-T-G.
Other names: c.365T>G, p.Ile122Arg (NM_001386677.1); c.68T>G, p.Ile23Arg (NM_001386679.1); c.95T>G, p.Ile32Arg (NM_001386681.1, NM_001386682.1, NM_001386685.1 and 6 more transcripts); c.120+3218T>G (NM_001386678.1); short protein forms I23R, I32R, I122R.
Identifiers: ClinVar variation 2229673 (VCV002229673.2), dbSNP rs2496591859, ClinGen allele CA382506739.

ClinVar aggregate classification (germline): Uncertain significance (1 of 4 stars; one submission).

Conditions:
Inborn genetic diseases. Identifiers: MedGen C0950123, MeSH D030342.

Submission:

Ambry Genetics
Classification: Uncertain significance for Inborn genetic diseases. Last evaluated: 2021-03-26. Review status: criteria provided, single submitter. Criteria: Ambry Variant Classification Scheme 2023. Collection method: clinical testing. Allele origin: germline.
Comment: The c.365T>G (p.I122R) alteration is located in exon 5 (coding exon 5) of the ACAT1 gene. This alteration results from a T to G substitution at nucleotide position 365, causing the isoleucine (I) at amino acid position 122 to be replaced by an arginine (R). The in silico prediction for the p.I122R alteration is inconclusive. Based on insufficient or conflicting evidence, the clinical significance of this alteration remains unclear.